The following is an entry in ClinVar:

NM_001395002.1(MAP4K4):c.52del (p.Leu18fs)

Gene: MAP4K4 (mitogen-activated protein kinase kinase kinase kinase 4; plus strand). Cytogenetic location: 2q11.2.
Variant type: Deletion.
Coding change: c.52del on transcript NM_001395002.1 (MANE Select); coding-DNA position 52, one base deleted (C; older notation c.52delC).
Protein change: p.Leu18fs; shifts the reading frame from leucine 18.
Molecular consequence: frameshift variant. On other transcripts: non-coding transcript variant (4).
Genome position (GRCh38, 1-based): chr2:101,698,132, C deleted; the last of 3 consecutive C bases (chr2:101,698,130-101,698,132); deleting any one gives the same sequence. VCF-style (leftmost placement, unchanged base first): chr2-101698129-TC-T. GRCh37 (hg19) VCF-style: chr2-102314591-TC-T.
Other names: c.52del, p.Leu18fs (NM_001384476.1, NM_001384477.1, NM_001384478.1 and 28 more transcripts); short protein forms L18fs.
Identifiers: ClinVar variation 3340992 (VCV003340992.1).

ClinVar aggregate classification (germline): Likely pathogenic (1 of 4 stars; one submission).

Submission:

GeneDx
Classification: Likely pathogenic. Last evaluated: 2023-08-01. Review status: criteria provided, single submitter. Criteria: GeneDx Variant Classification Process June 2021. Collection method: clinical testing. Allele origin: germline. Affected: yes.
Comment: Frameshift variant predicted to result in protein truncation or nonsense mediated decay in a gene or region of a gene for which loss of function is not a known mechanism of disease; Not observed at significant frequency in large population cohorts (gnomAD); This variant is associated with the following publications: (PMID: 37126546)